The following is an entry in ClinVar:

NM_017514.5(PLXNA3):c.826G>A (p.Val276Met)

Gene: PLXNA3 (plexin A3; plus strand). Cytogenetic location: Xq28.
Variant type: single nucleotide variant.
Coding change: c.826G>A on transcript NM_017514.5 (MANE Select); coding-DNA position 826, G replaced by A.
Protein change: p.Val276Met; replaces valine 276 with methionine.
Molecular consequence: missense variant.
Genome position (GRCh38, 1-based): chrX:154,461,330, G>A. VCF-style: chrX-154461330-G-A. GRCh37 (hg19) VCF-style: chrX-153689670-G-A.
Other names: short protein forms V276M.
Identifiers: ClinVar variation 3934797 (VCV003934797.2).

ClinVar aggregate classification (germline): Uncertain significance. Review status: criteria provided, multiple submitters, no conflicts (2 of 4 stars). 2 submissions from 2 submitters: Uncertain significance (2). Last evaluated 2026-08-24.

Conditions:
PLXNA3-related disorder. Also called: PLXNA3-related condition.

Submissions (2):

PreventionGenetics, part of Exact Sciences
Classification: Uncertain significance for PLXNA3-related condition. Last evaluated: 2026-08-24. Review status: criteria provided, single submitter. Criteria: ACMG Guidelines, 2015. Collection method: clinical testing. Allele origin: germline.
Comment: The PLXNA3 c.826G>A variant is predicted to result in the amino acid substitution p.Val276Met. To our knowledge, this variant has not been reported in the literature. This variant is reported in 0.0052% of alleles in individuals of South Asian descent in gnomAD. At this time, the clinical significance of this variant is uncertain due to the absence of conclusive functional and genetic evidence.

Ambry Genetics
Classification: Uncertain significance. Last evaluated: 2025-04-17. Review status: criteria provided, single submitter. Criteria: Ambry Variant Classification Scheme 2023. Collection method: clinical testing. Allele origin: germline.